The following is an entry in ClinVar:

NM_001042492.3(NF1):c.1232T>A (p.Val411Glu)

Gene: NF1 (neurofibromin 1; plus strand). Cytogenetic location: 17q11.2.
Variant type: single nucleotide variant.
Coding change: c.1232T>A on transcript NM_001042492.3 (MANE Select); coding-DNA position 1232, T replaced by A.
Protein change: p.Val411Glu; replaces valine 411 with glutamic acid.
Molecular consequence: missense variant.
Genome position (GRCh38, 1-based): chr17:31,201,457, T>A. VCF-style: chr17-31201457-T-A. GRCh37 (hg19) VCF-style: chr17-29528475-T-A.
Other names: c.1232T>A, p.Val411Glu (NM_000267.4, NM_001128147.3); short protein forms V411E.
Identifiers: ClinVar variation 3689099 (VCV003689099.3).

ClinVar aggregate classification (germline): Uncertain significance. Review status: criteria provided, multiple submitters, no conflicts (2 of 4 stars). 2 submissions from 2 submitters: Uncertain significance (2). Last evaluated 2025-02-02.

Conditions:
Cardiovascular phenotype. Identifiers: MedGen CN230736.
Hereditary cancer-predisposing syndrome. Also called: Tumor predisposition; Hereditary neoplastic syndrome; Hereditary Cancer Syndrome; Neoplastic Syndromes, Hereditary. Identifiers: Orphanet 140162, MedGen C0027672, MeSH D009386, MONDO:0015356.
Neurofibromatosis, type 1 (NF1). Also called: Peripheral type neurofibromatosis; Neurofibromatosis, type I; VON RECKLINGHAUSEN DISEASE; NEUROFIBROMATOSIS, TYPE I, SOMATIC. Identifiers: Orphanet 636, MedGen C0027831, MONDO:0018975, OMIM 162200. Disease mechanism: loss of function.

Submissions (2):

Labcorp Genetics (formerly Invitae), Labcorp
Classification: Uncertain significance for Neurofibromatosis, type 1. Last evaluated: 2025-02-02. Review status: criteria provided, single submitter. Criteria: Invitae Variant Classification Sherloc (09022015). Collection method: clinical testing. Allele origin: germline.
Comment: This sequence change replaces valine, which is neutral and non-polar, with glutamic acid, which is acidic and polar, at codon 411 of the NF1 protein (p.Val411Glu). This variant is not present in population databases (gnomAD no frequency). This variant has not been reported in the literature in individuals affected with NF1-related conditions. Invitae Evidence Modeling of protein sequence and biophysical properties (such as structural, functional, and spatial information, amino acid conservation, physicochemical variation, residue mobility, and thermodynamic stability) indicates that this missense variant is expected to disrupt NF1 protein function with a positive predictive value of 95%. In summary, the available evidence is currently insufficient to determine the role of this variant in disease. Therefore, it has been classified as a Variant of Uncertain Significance.

Ambry Genetics
Classification: Uncertain significance for Cardiovascular phenotype; Hereditary cancer-predisposing syndrome. Last evaluated: 2025-01-23. Review status: criteria provided, single submitter. Criteria: Ambry Variant Classification Scheme 2023. Collection method: clinical testing. Allele origin: germline.
Comment: The p.V411E variant (also known as c.1232T>A), located in coding exon 11 of the NF1 gene, results from a T to A substitution at nucleotide position 1232. The valine at codon 411 is replaced by glutamic acid, an amino acid with dissimilar properties. This amino acid position is conserved. In addition, this alteration is predicted to be deleterious by in silico analysis. Based on the available evidence, the clinical significance of this variant remains unclear.